The following is an entry in ClinVar:

ClinVar aggregate classification (germline): Uncertain significance (1 of 4 stars; one submission).

Conditions:
Joubert syndrome. Also called: CEREBELLOPARENCHYMAL DISORDER IV; JOUBERT-BOLTSHAUSER SYNDROME; Familial aplasia of the vermis. Identifiers: Orphanet 475, MedGen C5979921, MONDO:0018772.
Orofaciodigital syndrome I (OFD1). Also called: OFDS I; Papillon-Leage and Psaume Syndrome; Oral-Facial-Digital Syndrome Type I. Identifiers: Orphanet 2750, MedGen C1510460, MONDO:0010702, OMIM 311200.

Submission:

Labcorp Genetics (formerly Invitae), Labcorp
Classification: Uncertain significance for Orofaciodigital syndrome I; Joubert syndrome. Last evaluated: 2022-06-13. Review status: criteria provided, single submitter. Criteria: Invitae Variant Classification Sherloc (09022015). Collection method: clinical testing. Allele origin: germline.
Comment: This sequence change replaces glycine, which is neutral and non-polar, with arginine, which is basic and polar, at codon 130 of the OFD1 protein (p.Gly130Arg). Algorithms developed to predict the effect of missense changes on protein structure and function output the following: SIFT: "Deleterious"; PolyPhen-2: "Benign"; Align-GVGD: "Class C15". The arginine amino acid residue is found in multiple mammalian species, which suggests that this missense change does not adversely affect protein function. This variant has not been reported in the literature in individuals affected with OFD1-related conditions. This variant is not present in population databases (gnomAD no frequency). In summary, the available evidence is currently insufficient to determine the role of this variant in disease. Therefore, it has been classified as a Variant of Uncertain Significance.

NM_003611.3(OFD1):c.388G>C (p.Gly130Arg)

Gene: OFD1 (OFD1 centriole and centriolar satellite protein; plus strand). Cytogenetic location: Xp22.2.
Variant type: single nucleotide variant.
Coding change: c.388G>C on transcript NM_003611.3 (MANE Select); coding-DNA position 388, G replaced by C.
Protein change: p.Gly130Arg; replaces glycine 130 with arginine.
Molecular consequence: missense variant. On other transcripts: 5 prime UTR variant (1).
Genome position (GRCh38, 1-based): chrX:13,739,008, G>C. VCF-style: chrX-13739008-G-C. GRCh37 (hg19) VCF-style: chrX-13757127-G-C.
Other names: c.388G>C, p.Gly130Arg (NM_001330209.2); c.-158G>C (NM_001330210.2); short protein forms G130R.
Identifiers: ClinVar variation 1384207 (VCV001384207.8), dbSNP rs2146928806, ClinGen allele CA412334014.